The following is an entry in ClinVar:

ClinVar aggregate classification (germline): Likely benign (1 of 4 stars; one submission).

Allele frequency attached by ClinVar (database versions not stated): 1000 Genomes Project 0.00240; 1000 Genomes Project 30x 0.00265; TOPMed 0.00413; ExAC 0.00424; gnomAD 0.00493; ESP Exome Variant Server 0.00635; gnomAD exomes 0.00721.
gnomAD v4.1: 10,679 of 1,549,756 alleles (0.69%); highest among the groups gnomAD compares: Non-Finnish European, 0.82%; 46 homozygotes.

Submission:

CeGaT Center for Human Genetics Tuebingen
Classification: Likely benign. Last evaluated: 2022-09-01. Review status: criteria provided, single submitter. Criteria: CeGaT Center For Human Genetics Tuebingen Variant Classification Criteria Version 2. Collection method: clinical testing. Allele origin: germline. Affected: yes. Observed: 1 variant allele.
Comment: CEP192: BP4, BS2

NM_032142.4(CEP192):c.582C>G (p.His194Gln)

Gene: CEP192 (centrosomal protein 192; plus strand). Cytogenetic location: 18p11.21.
Variant type: single nucleotide variant.
Coding change: c.582C>G on transcript NM_032142.4 (MANE Select); coding-DNA position 582, C replaced by G.
Protein change: p.His194Gln; replaces histidine 194 with glutamine.
Molecular consequence: missense variant.
Genome position (GRCh38, 1-based): chr18:13,015,390, C>G. VCF-style: chr18-13015390-C-G. GRCh37 (hg19) VCF-style: chr18-13015389-C-G.
Other names: short protein forms H194Q.
Identifiers: ClinVar variation 2648604 (VCV002648604.24), dbSNP rs117292623, ClinGen allele CA8899410.
Genomic context (GRCh38, chr18:13,015,390, plus strand): 5'-TGTTGTGCTTGATGCTGGAAAACATTTTGAAGACAAGACTCTAAAGAGTGACCTAAGCCA[C>G]ACTAGCTTATTAGAAAATGAGAAACTTATCTTACCGACAAGCTTGGAAGATTCTTCTGGT-3'
Protein context (NP_115518.3, residues 184-204): EDKTLKSDLS[His194Gln]TSLLENEKLI